The following is an entry in ClinVar:

NM_001323289.2(CDKL5):c.1797C>G (p.Thr599=)

Gene: CDKL5 (cyclin dependent kinase like 5; plus strand). Cytogenetic location: Xp22.13.
Variant type: single nucleotide variant.
Coding change: c.1797C>G on transcript NM_001323289.2 (MANE Select); coding-DNA position 1797, C replaced by G.
Protein change: p.Thr599=; no amino-acid change (threonine 599 retained).
Molecular consequence: synonymous variant.
Genome position (GRCh38, 1-based): chrX:18,604,721, C>G. VCF-style: chrX-18604721-C-G. GRCh37 (hg19) VCF-style: chrX-18622841-C-G.
Other names: p.T599T:ACC>ACG; c.1797C>G, p.Thr599= (NM_001037343.2, NM_003159.3).
Identifiers: ClinVar variation 94106 (VCV000094106.26), dbSNP rs141478957, ClinGen allele CA147629.

ClinVar aggregate classification (germline): Benign/Likely benign. Review status: criteria provided, multiple submitters, no conflicts (2 of 4 stars). 7 submissions from 7 submitters: Benign (5); Likely benign (1). 1 of the submissions does not count toward it. Last evaluated 2026-02-03.

Conditions:
History of neurodevelopmental disorder. Identifiers: MedGen C2711754.
Angelman syndrome-like. Identifiers: MedGen CN128785.
Developmental and epileptic encephalopathy, 2 (DEE2). Also called: INFANTILE SPASM SYNDROME, X-LINKED 2; CDKL5 deficiency disorder. Identifiers: Orphanet 1934, Orphanet 3451, Orphanet 505652, MedGen C4750718, MONDO:0010396, OMIM 300672.
CDKL5-related disorder.

Allele frequency attached by ClinVar (database versions not stated): gnomAD exomes 0.00037 and 0.00110; ExAC 0.00137; gnomAD 0.00418 and 0.00451; 1000 Genomes Project 0.00503; ESP Exome Variant Server 0.00511; TOPMed 0.00517; 1000 Genomes Project 30x 0.00520.
gnomAD v4.1: 903 of 1,210,102 alleles (0.075%); highest among the groups gnomAD compares: African/African-American, 1.3%; 4 homozygotes.

Submissions (7):

Labcorp Genetics (formerly Invitae), Labcorp
Classification: Benign for Developmental and epileptic encephalopathy, 2; Angelman syndrome-like. Last evaluated: 2026-02-03. Review status: criteria provided, single submitter. Criteria: Invitae Variant Classification Sherloc (09022015). Collection method: clinical testing. Allele origin: germline.

Blueprint Genetics
Classification: Likely benign. Last evaluated: 2024-11-04. Review status: criteria provided, single submitter. Criteria: ACMG Guidelines, 2015. Collection method: clinical testing. Allele origin: germline.

Genetic Services Laboratory, University of Chicago
Classification: Benign. Last evaluated: 2018-12-26. Review status: criteria provided, single submitter. Criteria: ACMG Guidelines, 2015. Collection method: clinical testing. Allele origin: germline. Affected: no.

Ambry Genetics
Classification: Benign for History of neurodevelopmental disorder. Last evaluated: 2016-06-07. Review status: criteria provided, single submitter. Criteria: Ambry Autosomal Dominant and X-Linked criteria (10/2015). Collection method: clinical testing. Allele origin: germline. Observed: 1 variant allele.
Comment: General population or subpopulation frequency is too high to be a pathogenic mutation based on disease/syndrome prevalence and penetrance

Eurofins Ntd Llc (ga)
Classification: Benign. Last evaluated: 2013-04-23. Review status: criteria provided, single submitter. Criteria: EGL Classification Definitions 2015. Collection method: clinical testing. Allele origin: germline. Observed: 1 variant allele, 1 heterozygote.

GeneDx
Classification: Benign. Last evaluated: 2013-01-04. Review status: criteria provided, single submitter. Criteria: GeneDx Variant Classification (06012015). Collection method: clinical testing. Allele origin: germline. Affected: yes.
Comment: This variant is considered likely benign or benign based on one or more of the following criteria: it is a conservative change, it occurs at a poorly conserved position in the protein, it is predicted to be benign by multiple in silico algorithms, and/or has population frequency not consistent with disease.

PreventionGenetics, part of Exact Sciences
Classification: Benign for CDKL5-related condition. Last evaluated: 2023-02-07. Review status: no assertion criteria provided. Collection method: clinical testing. Allele origin: germline. Not counted in ClinVar's aggregate classification.
Comment: This variant is classified as benign based on ACMG/AMP sequence variant interpretation guidelines (Richards et al. 2015 PMID: 25741868, with internal and published modifications).